The following is an entry in ClinVar:

ClinVar aggregate classification (germline): Uncertain significance. Review status: criteria provided, multiple submitters, no conflicts (2 of 4 stars). 4 submissions from 4 submitters: Uncertain significance (4). Last evaluated 2025-05-07.

Conditions:
Inborn genetic diseases. Identifiers: MedGen C0950123, MeSH D030342.
PLG-related disorder. Also called: PLG-related condition.

Allele frequency attached by ClinVar (database versions not stated): ExAC 0.00007; ESP Exome Variant Server 0.00015; gnomAD exomes 0.00007.
gnomAD v4.1: 118 of 1,613,764 alleles (0.0073%); highest among the groups gnomAD compares: Middle Eastern, 0.033%; no homozygotes.

Submissions (4):

Ambry Genetics
Classification: Uncertain significance for Inborn genetic diseases. Last evaluated: 2025-05-07. Review status: criteria provided, single submitter. Criteria: Ambry Variant Classification Scheme 2023. Collection method: clinical testing. Allele origin: germline.

Labcorp Genetics (formerly Invitae), Labcorp
Classification: Uncertain significance. Last evaluated: 2025-04-21. Review status: criteria provided, single submitter. Criteria: Invitae Variant Classification Sherloc (09022015). Collection method: clinical testing. Allele origin: germline.
Comment: This sequence change replaces tyrosine, which is neutral and polar, with histidine, which is basic and polar, at codon 219 of the PLG protein (p.Tyr219His). This variant is present in population databases (rs151092364, gnomAD 0.02%). This variant has not been reported in the literature in individuals affected with PLG-related conditions. ClinVar contains an entry for this variant (Variation ID: 2394436). Invitae Evidence Modeling of protein sequence and biophysical properties (such as structural, functional, and spatial information, amino acid conservation, physicochemical variation, residue mobility, and thermodynamic stability) indicates that this missense variant is not expected to disrupt PLG protein function with a negative predictive value of 80%. In summary, the available evidence is currently insufficient to determine the role of this variant in disease. Therefore, it has been classified as a Variant of Uncertain Significance.

Women's Health and Genetics/Laboratory Corporation of America, LabCorp
Classification: Uncertain significance. Last evaluated: 2024-02-07. Review status: criteria provided, single submitter. Criteria: LabCorp Variant Classification Summary - May 2015. Collection method: clinical testing. Allele origin: germline.
Comment: Variant summary: PLG c.655T>C (p.Tyr219His) results in a conservative amino acid change located in the Kringle domain (IPR000001) of the encoded protein sequence. Three of five in-silico tools predict a damaging effect of the variant on protein function. The variant allele was found at a frequency of 8.8e-05 in 251132 control chromosomes (gnomAD). This frequency is not significantly higher than estimated for a pathogenic variant in PLG causing Plasminogen Deficiency (8.8e-05 vs 0.0011), allowing no conclusion about variant significance. To our knowledge, no occurrence of c.655T>C in individuals affected with Plasminogen Deficiency and no experimental evidence demonstrating its impact on protein function have been reported. ClinVar contains an entry for this variant (Variation ID: 2394436). Based on the evidence outlined above, the variant was classified as uncertain significance.

PreventionGenetics, part of Exact Sciences
Classification: Uncertain significance for PLG-related condition. Last evaluated: 2023-06-29. Review status: criteria provided, single submitter. Criteria: ACMG Guidelines, 2015. Collection method: clinical testing. Allele origin: germline.
Comment: The PLG c.655T>C variant is predicted to result in the amino acid substitution p.Tyr219His. To our knowledge, this variant has not been reported in the literature. This variant is reported in 0.018% of alleles in individuals of European (Non-Finnish) descent in gnomAD. At this time, the clinical significance of this variant is uncertain due to the absence of conclusive functional and genetic evidence.

NM_000301.5(PLG):c.655T>C (p.Tyr219His)

Gene: PLG (plasminogen; plus strand). Cytogenetic location: 6q26.
Variant type: single nucleotide variant.
Coding change: c.655T>C on transcript NM_000301.5 (MANE Select); coding-DNA position 655, T replaced by C.
Protein change: p.Tyr219His; replaces tyrosine 219 with histidine.
Molecular consequence: missense variant.
Genome position (GRCh38, 1-based): chr6:160,714,901, T>C. VCF-style: chr6-160714901-T-C. GRCh37 (hg19) VCF-style: chr6-161135933-T-C.
Other names: short protein forms Y219H.
Identifiers: ClinVar variation 2394436 (VCV002394436.9), dbSNP rs151092364, ClinGen allele CA4087512.